The following is an entry in ClinVar:

NM_000540.3(RYR1):c.14740A>G (p.Arg4914Gly)

Gene: RYR1 (ryanodine receptor 1; plus strand). Cytogenetic location: 19q13.2.
Variant type: single nucleotide variant.
Coding change: c.14740A>G on transcript NM_000540.3 (MANE Select); coding-DNA position 14740, A replaced by G.
Protein change: p.Arg4914Gly; replaces arginine 4914 with glycine.
Molecular consequence: missense variant.
Genome position (GRCh38, 1-based): chr19:38,585,036, A>G. VCF-style: chr19-38585036-A-G. GRCh37 (hg19) VCF-style: chr19-39075676-A-G.
Other names: c.14725A>G, p.Arg4909Gly (NM_001042723.2); short protein forms R4914G, R4909G.
Identifiers: ClinVar variation 65990 (VCV000065990.5), dbSNP rs118192184, ClinGen allele CA024242.

ClinVar aggregate classification (germline): Pathogenic. Review status: criteria provided, single submitter (1 of 4 stars). 3 submissions from 3 submitters: Pathogenic (1). 2 of the submissions do not count toward it.

Conditions:
Central core myopathy (CMYO1A). Also called: Central core disease; Myopathy, central fibrillar; CONGENITAL MYOPATHY 1A, AUTOSOMAL DOMINANT, WITH SUSCEPTIBILITY TO MALIGNANT HYPERTHERMIA. Identifiers: Orphanet 597, MedGen C5830701, MONDO:0007294, OMIM 117000.

Submissions (3):

Neuberg Centre For Genomic Medicine, NCGM
Classification: Pathogenic for Central core myopathy. Review status: criteria provided, single submitter. Criteria: ACMG Guidelines, 2015. Collection method: clinical testing. Allele origin: germline. Affected: yes.
Comment: The missense variant p.R4914G in RYR1 (NM_000540.3) has been reported previously as a de novo variant in individuals affected with central core disease (Monnier N et al, Zhou H et al). It has been submitted to ClinVar as Pathogenic. The p.R4914G variant is novel (not in any individuals) in gnomAD Exomes and is novel (not in any individuals) in 1000 Genomes. In silico tools predict a damaging effect. For these reasons, this variant has been classified as Pathogenic.

GeneReviews
Classification: Pathogenic for Central Core Disease. Last evaluated: 2010-05-11. Review status: no assertion criteria provided. Collection method: curation. Allele origin: unknown. Not counted in ClinVar's aggregate classification.
ClinVar note: Converted during submission from pathologic to Pathogenic.

RYR1 database
No classification provided. Review status: no classification provided. Collection method: not provided. Allele origin: unknown. Not counted in ClinVar's aggregate classification.